The following is an entry in ClinVar:

ClinVar aggregate classification (germline): Uncertain significance (1 of 4 stars; one submission).

Allele frequency attached by ClinVar (database versions not stated): gnomAD exomes below 0.00001.
gnomAD v4.1: 1 of 1,614,088 alleles (0.000062%); highest among the groups gnomAD compares: Non-Finnish European, 0.000085%; no homozygotes.

Submission:

GeneDx
Classification: Uncertain significance. Last evaluated: 2019-06-17. Review status: criteria provided, single submitter. Criteria: GeneDx Variant Classification Process June 2021. Collection method: clinical testing. Allele origin: germline. Affected: yes.
Comment: Not observed in large population cohorts (Lek et al., 2016); In silico analysis, which includes protein predictors and evolutionary conservation, supports that this variant does not alter protein structure/function; Has not been previously published as pathogenic or benign to our knowledge

NM_015046.7(SETX):c.983T>C (p.Ile328Thr)

Gene: SETX (senataxin; minus strand). Cytogenetic location: 9q34.13.
Variant type: single nucleotide variant.
Coding change: c.983T>C on transcript NM_015046.7 (MANE Select); coding-DNA position 983, T replaced by C.
Protein change: p.Ile328Thr; replaces isoleucine 328 with threonine.
Molecular consequence: missense variant.
Genome position (GRCh38, 1-based): chr9:132,331,304, A>G on the plus strand (T>C on the coding strand, the complement: SETX is on the minus strand). VCF-style: chr9-132331304-A-G. GRCh37 (hg19) VCF-style: chr9-135206691-A-G.
Other names: c.983T>C, p.Ile328Thr (NM_001351527.2, NM_001351528.2); short protein forms I328T.
Identifiers: ClinVar variation 1306233 (VCV001306233.2), dbSNP rs2131468034, ClinGen allele CA375346443.
Genomic context (GRCh38, chr9:132,331,304, plus strand): 5'-TGATGTTTAAATCCTGACATTAGCTGAACTAACCTTACAGAGCTGTTCCGTATATGTCGG[A>G]TCTCTCTATTGTAGCTTGCGTTGTTGATAATGGTTTGAAATGCCACAATAGGATCCATAA-3'
Protein context (NP_055861.3, residues 318-338): IINNASYNRE[Ile328Thr]RHIRNSSVRT